The following is an entry in ClinVar:

ClinVar aggregate classification (germline): Uncertain significance (1 of 4 stars; one submission).

Conditions:
Inborn genetic diseases. Identifiers: MedGen C0950123, MeSH D030342.

gnomAD v4.1: 2 of 1,614,174 alleles (0.00012%); no homozygotes.

Submission:

Ambry Genetics
Classification: Uncertain significance for Inborn genetic diseases. Last evaluated: 2025-10-26. Review status: criteria provided, single submitter. Criteria: Ambry Variant Classification Scheme 2023. Collection method: clinical testing. Allele origin: germline.
Comment: The p.R264S variant (also known as c.792A>C), located in coding exon 7 of the FANCG gene, results from an A to C substitution at nucleotide position 792. The arginine at codon 264 is replaced by serine, an amino acid with dissimilar properties. This amino acid position is conserved. In addition, this alteration is predicted to be tolerated by in silico analysis. Based on the available evidence, the clinical significance of this variant remains unclear.

NM_004629.2(FANCG):c.792A>C (p.Arg264Ser)

Gene: FANCG (FA complementation group G; minus strand). Cytogenetic location: 9p13.3.
Variant type: single nucleotide variant.
Coding change: c.792A>C on transcript NM_004629.2 (MANE Select); coding-DNA position 792, A replaced by C.
Protein change: p.Arg264Ser; replaces arginine 264 with serine.
Molecular consequence: missense variant.
Genome position (GRCh38, 1-based): chr9:35,076,856, T>G on the plus strand (A>C on the coding strand, the complement: FANCG is on the minus strand). VCF-style: chr9-35076856-T-G. GRCh37 (hg19) VCF-style: chr9-35076853-T-G.
Other names: short protein forms R264S.
Identifiers: ClinVar variation 4619377 (VCV004619377.1).